The following is an entry in ClinVar:

NM_000051.4(ATM):c.2699T>C (p.Met900Thr)

Gene: ATM (ATM serine/threonine kinase; plus strand). Cytogenetic location: 11q22.3.
Variant type: single nucleotide variant.
Coding change: c.2699T>C on transcript NM_000051.4 (MANE Select); coding-DNA position 2699, T replaced by C.
Protein change: p.Met900Thr; replaces methionine 900 with threonine.
Molecular consequence: missense variant.
Genome position (GRCh38, 1-based): chr11:108,268,470, T>C. VCF-style: chr11-108268470-T-C. GRCh37 (hg19) VCF-style: chr11-108139197-T-C.
Other names: c.2699T>C, p.Met900Thr (NM_001351834.2); short protein forms M900T.
Identifiers: ClinVar variation 216196 (VCV000216196.21), dbSNP rs863224558, ClinGen allele CA338855.

ClinVar aggregate classification (germline): Uncertain significance. Review status: criteria provided, multiple submitters, no conflicts (2 of 4 stars). 4 submissions from 4 submitters: Uncertain significance (3). 1 of the submissions does not count toward it. Last evaluated 2024-12-18.

Conditions:
Hereditary cancer-predisposing syndrome. Also called: Tumor predisposition; Hereditary Cancer Syndrome; Neoplastic Syndromes, Hereditary; Hereditary neoplastic syndrome. Identifiers: Orphanet 140162, MedGen C0027672, MeSH D009386, MONDO:0015356.
Ataxia-telangiectasia syndrome (AT). Also called: Cerebello-oculocutaneous telangiectasia; Immunodeficiency with ataxia telangiectasia; Ataxia telangiectasia (A-T); LOUIS-BAR SYNDROME; ATAXIA-TELANGIECTASIA, COMPLEMENTATION GROUP A; ATAXIA-TELANGIECTASIA, FRESNO VARIANT. Identifiers: Orphanet 100, MedGen C0004135, MONDO:0008840, OMIM 208900.

Allele frequency attached by ClinVar (database versions not stated): gnomAD exomes below 0.00001.
gnomAD v4.1: 2 of 1,614,106 alleles (0.00012%); highest among the groups gnomAD compares: Non-Finnish European, 0.00017%; no homozygotes.

Submissions (4):

Ambry Genetics
Classification: Uncertain significance for Hereditary cancer-predisposing syndrome. Last evaluated: 2024-12-18. Review status: criteria provided, single submitter. Criteria: Ambry Variant Classification Scheme 2023. Collection method: clinical testing. Allele origin: germline.
Comment: The p.M900T variant (also known as c.2699T>C), located in coding exon 17 of the ATM gene, results from a T to C substitution at nucleotide position 2699. The methionine at codon 900 is replaced by threonine, an amino acid with similar properties. This alteration has been reported in a cohort of 488 patients with stages I to III breast cancer who were tested with a 25-gene panel test (Tung N et al. J. Clin. Oncol., 2016 May;34:1460-8). This amino acid position is well conserved in available vertebrate species. In addition, the in silico prediction for this alteration is inconclusive. Since supporting evidence is limited at this time, the clinical significance of this alteration remains unclear.

GeneDx
Classification: Uncertain significance. Last evaluated: 2024-03-21. Review status: criteria provided, single submitter. Criteria: GeneDx Variant Classification Process June 2021. Collection method: clinical testing. Allele origin: germline. Affected: yes.
Comment: Not observed at significant frequency in large population cohorts (gnomAD); In silico analysis supports that this missense variant does not alter protein structure/function; This variant is associated with the following publications: (PMID: 26976419)

Labcorp Genetics (formerly Invitae), Labcorp
Classification: Uncertain significance for Ataxia-telangiectasia syndrome. Last evaluated: 2021-08-22. Review status: criteria provided, single submitter. Criteria: Invitae Variant Classification Sherloc (09022015). Collection method: clinical testing. Allele origin: germline.
Comment: Algorithms developed to predict the effect of missense changes on protein structure and function (SIFT, PolyPhen-2, Align-GVGD) all suggest that this variant is likely to be tolerated, but these predictions have not been confirmed by published functional studies and their clinical significance is uncertain. This variant has been observed in an individual affected with breast cancer (PMID: 26976419). ClinVar contains an entry for this variant (Variation ID: 216196). This variant is not present in population databases (ExAC no frequency). This sequence change replaces methionine with threonine at codon 900 of the ATM protein (p.Met900Thr). The methionine residue is weakly conserved and there is a moderate physicochemical difference between methionine and threonine. In summary, the available evidence is currently insufficient to determine the role of this variant in disease. Therefore, it has been classified as a Variant of Uncertain Significance.

Natera, Inc.
Classification: Uncertain significance for Ataxia-telangiectasia. Last evaluated: 2020-09-30. Review status: no assertion criteria provided. Collection method: clinical testing. Allele origin: germline. Not counted in ClinVar's aggregate classification.

Literature cited by the submitters: PubMed 26976419 (cited by Ambry Genetics and Labcorp Genetics (formerly Invitae), Labcorp).